The following is an entry in ClinVar:

NM_015122.3(FCHO1):c.936C>T (p.Pro312=)

Gene: FCHO1 (FCH and mu domain containing endocytic adaptor 1; plus strand). Cytogenetic location: 19p13.11.
Variant type: single nucleotide variant.
Coding change: c.936C>T on transcript NM_015122.3 (MANE Select); coding-DNA position 936, C replaced by T.
Protein change: p.Pro312=; no amino-acid change (proline 312 retained).
Molecular consequence: synonymous variant. On other transcripts: non-coding transcript variant (36).
Genome position (GRCh38, 1-based): chr19:17,775,071, C>T. VCF-style: chr19-17775071-C-T. GRCh37 (hg19) VCF-style: chr19-17885880-C-T.
Other names: p.Pro312=; c.936C>T, p.Pro312= (NM_001161357.2, NM_001161358.2, NM_001384370.1 and 25 more transcripts); c.786C>T, p.Pro262= (NM_001161359.2, NM_001384384.1, NM_001384385.1 and 3 more transcripts); c.897C>T, p.Pro299= (NM_001384388.1, NM_001384389.1, NM_001384405.1); c.861C>T, p.Pro287= (NM_001384390.1); c.891C>T, p.Pro297= (NM_001384403.1).
Identifiers: ClinVar variation 1164635 (VCV001164635.14), dbSNP rs2287855, ClinGen allele CA9300312.

ClinVar aggregate classification (germline): Benign. Review status: criteria provided, multiple submitters, no conflicts (2 of 4 stars). 5 submissions from 5 submitters: Benign (5). Last evaluated 2026-02-04.

Allele frequency attached by ClinVar (database versions not stated): 1000 Genomes Project 0.09445; TOPMed 0.11316; 1000 Genomes Project 30x 0.09338; ESP Exome Variant Server 0.12194; gnomAD 0.12849 and 0.13118; ExAC 0.13358; gnomAD exomes 0.13493.
gnomAD v4.1: 227,940 of 1,612,372 alleles (14%); highest among the groups gnomAD compares: Non-Finnish European, 15%; 17,544 homozygotes.

Submissions (5):

Labcorp Genetics (formerly Invitae), Labcorp
Classification: Benign. Last evaluated: 2026-02-04. Review status: criteria provided, single submitter. Criteria: Invitae Variant Classification Sherloc (09022015). Collection method: clinical testing. Allele origin: germline.

Women's Health and Genetics/Laboratory Corporation of America, LabCorp
Classification: Benign. Last evaluated: 2026-01-21. Review status: criteria provided, single submitter. Criteria: LabCorp Variant Classification Summary - May 2015. Collection method: clinical testing. Allele origin: germline.

Unidad de Genómica Garrahan, Hospital de Pediatría Garrahan
Classification: Benign. Last evaluated: 2024-01-24. Review status: criteria provided, single submitter. Criteria: ACMG Guidelines, 2015. Collection method: clinical testing. Allele origin: germline. Affected: no. Observed: 30 variant alleles.
Comment: This variant is classified as Benign based on local population frequency. This variant was detected in 32% of patients studied by a panel of primary immunodeficiencies. Number of patients: 30. Only high quality variants are reported.

Mayo Clinic Laboratories, Mayo Clinic
Classification: Benign. Last evaluated: 2022-09-06. Review status: criteria provided, single submitter. Criteria: ACMG Guidelines, 2015. Collection method: clinical testing. Allele origin: germline. Observed: 24 variant alleles.

Breakthrough Genomics
Classification: Benign. Review status: criteria provided, single submitter. Criteria: ACMG Guidelines, 2015. Collection method: not provided. Allele origin: germline. Inheritance: Autosomal recessive inheritance. Affected: yes.